The following is an entry in ClinVar:

ClinVar aggregate classification (germline): Likely benign (1 of 4 stars; one submission).

Allele frequency attached by ClinVar (database versions not stated): 1000 Genomes Project 0.00160; 1000 Genomes Project 30x 0.00172; ExAC 0.00293; ESP Exome Variant Server 0.00354; gnomAD 0.00384.
gnomAD v4.1: 7,061 of 1,614,084 alleles (0.44%); highest among the groups gnomAD compares: Non-Finnish European, 0.53%; 12 homozygotes.

Submission:

CeGaT Center for Human Genetics Tuebingen
Classification: Likely benign. Last evaluated: 2023-03-01. Review status: criteria provided, single submitter. Criteria: CeGaT Center For Human Genetics Tuebingen Variant Classification Criteria Version 2. Collection method: clinical testing. Allele origin: germline. Affected: yes. Observed: 1 variant allele.
Comment: QSOX2: BP4, BP7, BS2

NM_181701.4(QSOX2):c.897G>A (p.Leu299=)

Gene: QSOX2 (quiescin sulfhydryl oxidase 2; minus strand). Cytogenetic location: 9q34.3.
Variant type: single nucleotide variant.
Coding change: c.897G>A on transcript NM_181701.4 (MANE Select); coding-DNA position 897, G replaced by A.
Protein change: p.Leu299=; no amino-acid change (leucine 299 retained).
Molecular consequence: synonymous variant.
Genome position (GRCh38, 1-based): chr9:136,219,089, C>T on the plus strand (G>A on the coding strand, the complement: QSOX2 is on the minus strand). VCF-style: chr9-136219089-C-T. GRCh37 (hg19) VCF-style: chr9-139110935-C-T.
Identifiers: ClinVar variation 2659727 (VCV002659727.24), dbSNP rs142403115, ClinGen allele CA5331064.